The following is an entry in ClinVar:

NM_000548.5(TSC2):c.2218A>T (p.Met740Leu)

Gene: TSC2 (TSC complex subunit 2; plus strand). Cytogenetic location: 16p13.3.
Variant type: single nucleotide variant.
Coding change: c.2218A>T on transcript NM_000548.5 (MANE Select); coding-DNA position 2218, A replaced by T.
Protein change: p.Met740Leu; replaces methionine 740 with leucine.
Molecular consequence: missense variant.
Genome position (GRCh38, 1-based): chr16:2,072,361, A>T. VCF-style: chr16-2072361-A-T. GRCh37 (hg19) VCF-style: chr16-2122362-A-T.
Other names: c.2218A>T, p.Met740Leu (NM_001077183.3, NM_001114382.3, NM_001363528.2 and 3 more transcripts); c.2107A>T, p.Met703Leu (NM_001318827.2); c.2071A>T, p.Met691Leu (NM_001318829.2); c.1618A>T, p.Met540Leu (NM_001318831.2); c.2251A>T, p.Met751Leu (NM_001318832.2); short protein forms M691L, M740L, M540L, M751L, M703L.
Identifiers: ClinVar variation 1044058 (VCV001044058.8), dbSNP rs757345150, ClinGen allele CA394275173.

ClinVar aggregate classification (germline): Uncertain significance (1 of 4 stars; one submission).

Conditions:
Tuberous sclerosis 2 (TSC2). Identifiers: Orphanet 805, MedGen C1860707, MONDO:0013199, OMIM 613254.

Submission:

Labcorp Genetics (formerly Invitae), Labcorp
Classification: Uncertain significance for Tuberous sclerosis 2. Last evaluated: 2020-09-20. Review status: criteria provided, single submitter. Criteria: Invitae Variant Classification Sherloc (09022015). Collection method: clinical testing. Allele origin: germline.
Comment: Algorithms developed to predict the effect of missense changes on protein structure and function (SIFT, PolyPhen-2, Align-GVGD) all suggest that this variant is likely to be tolerated, but these predictions have not been confirmed by published functional studies and their clinical significance is uncertain. This variant has not been reported in the literature in individuals with TSC2-related conditions. This variant is not present in population databases (ExAC no frequency). This sequence change replaces methionine with leucine at codon 740 of the TSC2 protein (p.Met740Leu). The methionine residue is highly conserved and there is a small physicochemical difference between methionine and leucine. In summary, the available evidence is currently insufficient to determine the role of this variant in disease. Therefore, it has been classified as a Variant of Uncertain Significance.